The following is an entry in ClinVar:

NM_001165963.4(SCN1A):c.3641T>A (p.Ile1214Lys)

Genes: SCN1A (sodium voltage-gated channel alpha subunit 1; minus strand), LOC102724058 (uncharacterized LOC102724058; plus strand). Cytogenetic location: 2q24.3.
Variant type: single nucleotide variant.
Coding change: c.3641T>A on transcript NM_001165963.4 (MANE Select); coding-DNA position 3641, T replaced by A.
Protein change: p.Ile1214Lys; replaces isoleucine 1214 with lysine.
Molecular consequence: missense variant. On other transcripts: non-coding transcript variant (1).
Genome position (GRCh38, 1-based): chr2:166,013,808, A>T on the plus strand (T>A on the coding strand, the complement: SCN1A is on the minus strand). VCF-style: chr2-166013808-A-T. GRCh37 (hg19) VCF-style: chr2-166870318-A-T.
Other names: c.3641T>A, p.Ile1214Lys (NM_001202435.3, NM_001353948.2); c.3608T>A, p.Ile1203Lys (NM_001353949.2, NM_001353950.2, NM_001353951.2 and 2 more transcripts); c.3605T>A, p.Ile1202Lys (NM_001353954.2, NM_001353955.2); c.3557T>A, p.Ile1186Lys (NM_001353957.2, NM_001353958.2, NM_001165964.3); c.3554T>A, p.Ile1185Lys (NM_001353960.2); c.1199T>A, p.Ile400Lys (NM_001353961.2); short protein forms I1185K, I1186K, I1214K, I1202K, I400K, I1203K.
Identifiers: ClinVar variation 2094348 (VCV002094348.4), dbSNP rs1692873873, ClinGen allele CA349056051.
Genomic context (GRCh38, chr2:166,013,808, plus strand): 5'-GCACCACTACTAAGGAGAATCATGAAAACAATGAAGGTCTCAAACCAGTTATGTTCAACT[A>T]TTCGGAAACACGTCCTTCTCAGGTTCCACCATTGTTTTCCTCTGCCTTCTTCCACATTGA-3'
Protein context (NP_001159435.1, residues 1204-1224): WWNLRRTCFR[Ile1214Lys]VEHNWFETFI

ClinVar aggregate classification (germline): Pathogenic (1 of 4 stars; one submission).

Conditions:
Early-infantile DEE. Also called: Ohtahara syndrome; Early infantile epileptic encephalopathy with suppression bursts; Early infantile epileptic encephalopathy. Identifiers: Orphanet 1934, MedGen C0393706, MONDO:0800491.

Submission:

Labcorp Genetics (formerly Invitae), Labcorp
Classification: Pathogenic for Early-infantile DEE. Last evaluated: 2024-06-26. Review status: criteria provided, single submitter. Criteria: Invitae Variant Classification Sherloc (09022015). Collection method: clinical testing. Allele origin: germline.
Comment: This sequence change replaces isoleucine, which is neutral and non-polar, with lysine, which is basic and polar, at codon 1214 of the SCN1A protein (p.Ile1214Lys). This variant is not present in population databases (gnomAD no frequency). This missense change has been observed in individual(s) with Dravet syndrome (Invitae). ClinVar contains an entry for this variant (Variation ID: 2094348). Advanced modeling of protein sequence and biophysical properties (such as structural, functional, and spatial information, amino acid conservation, physicochemical variation, residue mobility, and thermodynamic stability) performed at Invitae indicates that this missense variant is expected to disrupt SCN1A protein function with a positive predictive value of 95%. This variant disrupts the p.Ile1214 amino acid residue in SCN1A. Other variant(s) that disrupt this residue have been determined to be pathogenic (PMID: 22848613, 31864146). This suggests that this residue is clinically significant, and that variants that disrupt this residue are likely to be disease-causing. For these reasons, this variant has been classified as Pathogenic.

Literature cited by the submitters: PubMed 22848613; PubMed 31864146.